The following is an entry in ClinVar:

ClinVar aggregate classification (germline): Uncertain significance. Review status: criteria provided, multiple submitters, no conflicts (2 of 4 stars). 2 submissions from 2 submitters: Uncertain significance (2). Last evaluated 2025-05-28.

Conditions:
Hereditary cancer-predisposing syndrome. Also called: Neoplastic Syndromes, Hereditary; Hereditary Cancer Syndrome; Hereditary neoplastic syndrome; Tumor predisposition. Identifiers: Orphanet 140162, MedGen C0027672, MeSH D009386, MONDO:0015356.
Fanconi anemia (FA). Also called: Fanconi's anemia. Identifiers: Orphanet 84, MedGen C0015625, MeSH D005199, MONDO:0019391.

Allele frequency attached by ClinVar (database versions not stated): gnomAD exomes below 0.00001.
gnomAD v4.1: 1 of 1,614,074 alleles (0.000062%); highest among the groups gnomAD compares: African/African-American, 0.0013%; no homozygotes.

Submissions (2):

Labcorp Genetics (formerly Invitae), Labcorp
Classification: Uncertain significance for Fanconi anemia. Last evaluated: 2025-05-28. Review status: criteria provided, single submitter. Criteria: Invitae Variant Classification Sherloc (09022015). Collection method: clinical testing. Allele origin: germline.
Comment: This sequence change replaces valine, which is neutral and non-polar, with phenylalanine, which is neutral and non-polar, at codon 188 of the FANCC protein (p.Val188Phe). This variant is not present in population databases (gnomAD no frequency). This variant has not been reported in the literature in individuals affected with FANCC-related conditions. ClinVar contains an entry for this variant (Variation ID: 2565547). Invitae Evidence Modeling of protein sequence and biophysical properties (such as structural, functional, and spatial information, amino acid conservation, physicochemical variation, residue mobility, and thermodynamic stability) has been performed for this missense variant. However, the output from this modeling did not meet the statistical confidence thresholds required to predict the impact of this variant on FANCC protein function. Algorithms developed to predict the effect of sequence changes on RNA splicing suggest that this variant may create or strengthen a splice site. In summary, the available evidence is currently insufficient to determine the role of this variant in disease. Therefore, it has been classified as a Variant of Uncertain Significance.

Ambry Genetics
Classification: Uncertain significance for Hereditary cancer-predisposing syndrome. Last evaluated: 2023-05-15. Review status: criteria provided, single submitter. Criteria: Ambry Variant Classification Scheme 2023. Collection method: clinical testing. Allele origin: germline.
Comment: The p.V188F variant (also known as c.562G>T), located in coding exon 6 of the FANCC gene, results from a G to T substitution at nucleotide position 562. The valine at codon 188 is replaced by phenylalanine, an amino acid with highly similar properties. This amino acid position is not well conserved in available vertebrate species. In addition, this alteration is predicted to be tolerated by in silico analysis. Since supporting evidence is limited at this time, the clinical significance of this alteration remains unclear.

NM_000136.3(FANCC):c.562G>T (p.Val188Phe)

Genes: FANCC (FA complementation group C; minus strand), AOPEP (aminopeptidase O (putative); plus strand). Cytogenetic location: 9q22.32.
Variant type: single nucleotide variant.
Coding change: c.562G>T on transcript NM_000136.3 (MANE Select); coding-DNA position 562, G replaced by T.
Protein change: p.Val188Phe; replaces valine 188 with phenylalanine.
Molecular consequence: missense variant.
Genome position (GRCh38, 1-based): chr9:95,150,047, C>A on the plus strand (G>T on the coding strand, the complement: FANCC is on the minus strand). VCF-style: chr9-95150047-C-A. GRCh37 (hg19) VCF-style: chr9-97912329-C-A.
Other names: c.562G>T, p.Val188Phe (NM_001243743.2, NM_001243744.2); short protein forms V188F.
Identifiers: ClinVar variation 2565547 (VCV002565547.3), dbSNP rs2135428273, ClinGen allele CA374109782.